The following is an entry in ClinVar:

NM_000478.6(ALPL):c.756_757insCC (p.Val253fs)

Gene: ALPL (alkaline phosphatase, biomineralization associated; plus strand). Cytogenetic location: 1p36.12.
Variant type: Insertion.
Coding change: c.756_757insCC on transcript NM_000478.6 (MANE Select); coding-DNA positions 756 to 757, CC inserted.
Protein change: p.Val253fs; shifts the reading frame from valine 253.
Molecular consequence: frameshift variant.
Genome position: GRCh38 VCF-style: chr1-21568210-T-TCC. GRCh37 (hg19) VCF-style: chr1-21894703-T-TCC.
Other names: c.591_592insCC, p.Val198fs (NM_001127501.4); c.525_526insCC, p.Val176fs (NM_001177520.3); c.756_757insCC, p.Val253fs (NM_001369803.2, NM_001369804.2, NM_001369805.2); short protein forms V198fs, V253fs, V176fs.
Identifiers: ClinVar variation 2812770 (VCV002812770.3), dbSNP rs2545317590, ClinGen allele CA2739272372.
Genomic context (GRCh38, chr1:21,568,210, plus strand): 5'-CTGATGTGGAGTATGAGAGTGACGAGAAAGCCAGGGGCACGAGGCTGGACGGCCTGGACC[T>TCC]CGTTGACACCTGGAAGAGCTTCAAACCGAGATACAAGGTAGCCTGTGCTGGGGCCATGTG-3'

ClinVar aggregate classification (germline): Pathogenic (1 of 4 stars; one submission).

Submission:

Labcorp Genetics (formerly Invitae), Labcorp
Classification: Pathogenic. Last evaluated: 2022-11-08. Review status: criteria provided, single submitter. Criteria: Invitae Variant Classification Sherloc (09022015). Collection method: clinical testing. Allele origin: germline.
Comment: For these reasons, this variant has been classified as Pathogenic. This variant has not been reported in the literature in individuals affected with ALPL-related conditions. This variant is not present in population databases (gnomAD no frequency). This sequence change creates a premature translational stop signal (p.Val253Profs*25) in the ALPL gene. It is expected to result in an absent or disrupted protein product. Loss-of-function variants in ALPL are known to be pathogenic (PMID: 3174660, 10679946, 32973344, 33814268).

Literature cited by the submitters: PubMed 3174660; PubMed 10679946; PubMed 32973344; PubMed 33814268.